The following is an entry in ClinVar:

ClinVar aggregate classification (germline): Pathogenic (1 of 4 stars; one submission).

Conditions:
Congenital adrenal insufficiency with 46, XY sex reversal OR 46,XY disorder of sex development-adrenal insufficiency due to CYP11A1 deficiency. Also called: P450scc DEFICIENCY; Congenital adrenal insuffiency with 46, XY sex reversal OR 46,XY disorder of sex development-adrenal insufficiency due to CYP11A1 deficiency. Identifiers: Orphanet 168558, MedGen C3151055, MONDO:0013400, OMIM 613743.

Submission:

Myriad Genetics, Inc.
Classification: Pathogenic for Congenital adrenal insufficiency with 46, XY sex reversal OR 46,XY disorder of sex development-adrenal insufficiency due to CYP11A1 deficiency. Last evaluated: 2024-09-23. Review status: criteria provided, single submitter. Criteria: Myriad Autosomal Dominant, Autosomal Recessive and X-Linked Classification Criteria (2023). Collection method: clinical testing. Allele origin: unknown.
Comment: NM_000781.2(CYP11A1):c.1006C>T(Q336*) is expected to be pathogenic in the context of congenital adrenal hyperplasia, CYP11A1-related. This variant is predicted to lead to an abnormal or absent protein product due to the creation of a premature termination codon in CYP11A1, a gene where loss-of-function variants are known to be pathogenic. Please note: this variant was assessed in the context of healthy population screening.

NM_000781.3(CYP11A1):c.1006C>T (p.Gln336Ter)

Gene: CYP11A1 (cytochrome P450 family 11 subfamily A member 1; minus strand). Cytogenetic location: 15q24.1.
Variant type: single nucleotide variant.
Coding change: c.1006C>T on transcript NM_000781.3 (MANE Select); coding-DNA position 1006, C replaced by T.
Protein change: p.Gln336Ter; replaces glutamine 336 with a stop codon.
Molecular consequence: nonsense.
Genome position (GRCh38, 1-based): chr15:74,339,738, G>A on the plus strand (C>T on the coding strand, the complement: CYP11A1 is on the minus strand). VCF-style: chr15-74339738-G-A. GRCh37 (hg19) VCF-style: chr15-74632079-G-A.
Other names: c.532C>T, p.Gln178Ter (NM_001099773.2); short protein forms Q178*, Q336*.
Identifiers: ClinVar variation 5013575 (VCV005013575.1).